The following is an entry in ClinVar:

NM_199420.4(POLQ):c.7279A>G (p.Met2427Val)

Gene: POLQ (DNA polymerase theta; minus strand). Cytogenetic location: 3q13.33.
Variant type: single nucleotide variant.
Coding change: c.7279A>G on transcript NM_199420.4 (MANE Select); coding-DNA position 7279, A replaced by G.
Protein change: p.Met2427Val; replaces methionine 2427 with valine.
Molecular consequence: missense variant.
Genome position (GRCh38, 1-based): chr3:121,440,102, T>C on the plus strand (A>G on the coding strand, the complement: POLQ is on the minus strand). VCF-style: chr3-121440102-T-C. GRCh37 (hg19) VCF-style: chr3-121158949-T-C.
Other names: short protein forms M2427V.
Identifiers: ClinVar variation 3230147 (VCV003230147.1), dbSNP rs750354728, ClinGen allele CA2562213.

ClinVar aggregate classification (germline): Uncertain significance (1 of 4 stars; one submission).

Allele frequency attached by ClinVar (database versions not stated): gnomAD exomes below 0.00001; TOPMed below 0.00001; ExAC 0.00001.
gnomAD v4.1: 2 of 1,606,188 alleles (0.00012%); highest among the groups gnomAD compares: South Asian, 0.0022%; no homozygotes.

Submission:

Ambry Genetics
Classification: Uncertain significance. Last evaluated: 2023-09-17. Review status: criteria provided, single submitter. Criteria: Ambry Variant Classification Scheme 2023. Collection method: clinical testing. Allele origin: germline.
Comment: The p.M2427V variant (also known as c.7279A>G), located in coding exon 27 of the POLQ gene, results from an A to G substitution at nucleotide position 7279. The methionine at codon 2427 is replaced by valine, an amino acid with highly similar properties. This amino acid position is conserved. In addition, the in silico prediction for this alteration is inconclusive. Since supporting evidence is limited at this time, the clinical significance of this alteration remains unclear.